The following is an entry in ClinVar:

NM_000321.3(RB1):c.665T>A (p.Val222Asp)

Gene: RB1 (RB transcriptional corepressor 1; plus strand). Cytogenetic location: 13q14.2.
Variant type: single nucleotide variant.
Coding change: c.665T>A on transcript NM_000321.3 (MANE Select); coding-DNA position 665, T replaced by A.
Protein change: p.Val222Asp; replaces valine 222 with aspartic acid.
Molecular consequence: missense variant.
Genome position (GRCh38, 1-based): chr13:48,360,074, T>A. VCF-style: chr13-48360074-T-A. GRCh37 (hg19) VCF-style: chr13-48934210-T-A.
Other names: c.665T>A, p.Val222Asp (NM_001407165.1, NM_001407166.1); short protein forms V222D.
Identifiers: ClinVar variation 3787296 (VCV003787296.1).
Genomic context (GRCh38, chr13:48,360,074, plus strand): 5'-CAGGGGAAGTATTACAAATGGAAGATGATCTGGTGATTTCATTTCAGTTAATGCTATGTG[T>A]CCTTGACTATTTTATTAAACTCTCACCTCCCATGTTGCTCAAAGAACCATATAGTAAGTA-3'
Protein context (NP_000312.2, residues 212-232): LVISFQLMLC[Val222Asp]LDYFIKLSPP

ClinVar aggregate classification (germline): Uncertain significance (1 of 4 stars; one submission).

Conditions:
Hereditary cancer-predisposing syndrome. Also called: Neoplastic Syndromes, Hereditary; Hereditary Cancer Syndrome; Tumor predisposition; Hereditary neoplastic syndrome. Identifiers: Orphanet 140162, MedGen C0027672, MeSH D009386, MONDO:0015356.

Submission:

Ambry Genetics
Classification: Uncertain significance for Hereditary cancer-predisposing syndrome. Last evaluated: 2025-03-01. Review status: criteria provided, single submitter. Criteria: Ambry Variant Classification Scheme 2023. Collection method: clinical testing. Allele origin: germline.
Comment: The p.V222D variant (also known as c.665T>A), located in coding exon 7 of the RB1 gene, results from a T to A substitution at nucleotide position 665. The valine at codon 222 is replaced by aspartic acid, an amino acid with highly dissimilar properties. This amino acid position is conserved. In addition, this alteration is predicted to be deleterious by in silico analysis. Based on the available evidence, the clinical significance of this variant remains unclear.